The following is an entry in ClinVar:

NM_001374736.1(DST):c.12832G>A (p.Ala4278Thr)

Gene: DST (dystonin; minus strand). Cytogenetic location: 6p12.1.
Variant type: single nucleotide variant.
Coding change: c.12832G>A on transcript NM_001374736.1 (MANE Select); coding-DNA position 12832, G replaced by A.
Protein change: p.Ala4278Thr; replaces alanine 4278 with threonine.
Molecular consequence: missense variant.
Genome position (GRCh38, 1-based): chr6:56,592,253, C>T on the plus strand (G>A on the coding strand, the complement: DST is on the minus strand). VCF-style: chr6-56592253-C-T. GRCh37 (hg19) VCF-style: chr6-56457051-C-T.
Other names: c.6475G>A, p.Ala2159Thr (NM_001144769.5); c.6061G>A, p.Ala2021Thr (NM_001144770.2); c.12832G>A, p.Ala4278Thr (NM_001374722.1); c.12199G>A, p.Ala4067Thr (NM_001374729.1); c.5941G>A, p.Ala1981Thr (NM_001374730.1, NM_001386100.1, NM_183380.4); c.12859G>A, p.Ala4287Thr (NM_001374734.1); c.4963G>A, p.Ala1655Thr (NM_015548.5); short protein forms A1655T, A1981T, A2021T, A2159T, A4067T, A4278T, A4287T.
Identifiers: ClinVar variation 3762030 (VCV003762030.2).

ClinVar aggregate classification (germline): Uncertain significance (1 of 4 stars; one submission).

Conditions:
Epidermolysis bullosa simplex 3, localized or generalized intermediate, with BP230 deficiency (EBS3). Also called: Epidermolysis bullosa simplex due to BP230 deficiency; Epidermolysis bullosa simplex, autosomal recessive 2. Identifiers: Orphanet 412181, MedGen C3809470, MONDO:0014180, OMIM 615425.
Hereditary sensory and autonomic neuropathy type 6. Also called: Neuropathy, hereditary sensory and autonomic, type VI; HSAN VI. Identifiers: Orphanet 314381, MedGen C3539003, MONDO:0013839, OMIM 614653.

gnomAD v4.1: 11 of 1,613,268 alleles (0.00068%); highest among the groups gnomAD compares: Non-Finnish European, 0.00093%; no homozygotes.

Submission:

Labcorp Genetics (formerly Invitae), Labcorp
Classification: Uncertain significance for Epidermolysis bullosa simplex 3, localized or generalized intermediate, with BP230 deficiency; Hereditary sensory and autonomic neuropathy type 6. Last evaluated: 2025-04-28. Review status: criteria provided, single submitter. Criteria: Invitae Variant Classification Sherloc (09022015). Collection method: clinical testing. Allele origin: germline.
Comment: The DST gene has multiple clinically relevant transcripts. This variant occurs in alternate transcript NM_015548.4, and corresponds to NM_001723.5:c.*23264G>A in the primary transcript. This sequence change replaces alanine, which is neutral and non-polar, with threonine, which is neutral and polar, at codon 1655 of the DST protein (p.Ala1655Thr). This variant is present in population databases (no rsID available, gnomAD 0.0009%). This variant has not been reported in the literature in individuals affected with DST-related conditions. Experimental studies and prediction algorithms are not available or were not evaluated, and the functional significance of this variant is currently unknown. In summary, the available evidence is currently insufficient to determine the role of this variant in disease. Therefore, it has been classified as a Variant of Uncertain Significance.